The following is an entry in ClinVar:

NM_001377299.1(NDUFS2):c.1179A>G (p.Pro393=)

Gene: NDUFS2 (NADH:ubiquinone oxidoreductase core subunit S2; plus strand). Cytogenetic location: 1q23.3.
Variant type: single nucleotide variant.
Coding change: c.1179A>G on transcript NM_001377299.1 (MANE Select); coding-DNA position 1179, A replaced by G.
Protein change: p.Pro393=; no amino-acid change (proline 393 retained).
Molecular consequence: synonymous variant. On other transcripts: non-coding transcript variant (1).
Genome position (GRCh38, 1-based): chr1:161,213,442, A>G. VCF-style: chr1-161213442-A-G. GRCh37 (hg19) VCF-style: chr1-161183232-A-G.
Other names: c.1179A>G, p.Pro393= (NM_001166159.2, NM_001377298.1, NM_001377300.1 and 3 more transcripts).
Identifiers: ClinVar variation 390263 (VCV000390263.1), dbSNP rs1057523701, ClinGen allele CA16603475.

ClinVar aggregate classification (germline): Likely benign (1 of 4 stars; one submission).

Submission:

GeneDx
Classification: Likely benign. Last evaluated: 2016-10-28. Review status: criteria provided, single submitter. Criteria: GeneDx Variant Classification (06012015). Collection method: clinical testing. Allele origin: germline. Affected: yes.
Comment: This variant is considered likely benign or benign based on one or more of the following criteria: it is a conservative change, it occurs at a poorly conserved position in the protein, it is predicted to be benign by multiple in silico algorithms, and/or has population frequency not consistent with disease.